The following is an entry in ClinVar:

ClinVar aggregate classification (germline): Uncertain significance. Review status: criteria provided, multiple submitters, no conflicts (2 of 4 stars). 3 submissions from 3 submitters: Uncertain significance (3). Last evaluated 2025-08-30.

Conditions:
POLG-related disorder. Also called: POLG-Related Spectrum Disorders; POLG-related condition; POLG-Related Disorders. Identifiers: MedGen C4763519.
Progressive sclerosing poliodystrophy (MTDPS4A). Also called: Mitochondrial DNA Depletion Syndrome 4A; ALPERS PROGRESSIVE INFANTILE POLIODYSTROPHY; Alpers Syndrome; NEURONAL DEGENERATION OF CHILDHOOD WITH LIVER DISEASE, PROGRESSIVE; Alpers-Huttenlocher Syndrome (AHS); ALPERS DIFFUSE DEGENERATION OF CEREBRAL GRAY MATTER WITH HEPATIC CIRRHOSIS. Identifiers: Orphanet 726, MedGen C0205710, MONDO:0008758, OMIM 203700.

Allele frequency attached by ClinVar (database versions not stated): ExAC 0.00002; gnomAD 0.00002; gnomAD exomes 0.00002; TOPMed 0.00002; ESP Exome Variant Server 0.00015.
gnomAD v4.1: 19 of 1,613,228 alleles (0.0012%); highest among the groups gnomAD compares: East Asian, 0.0022%; no homozygotes.

Submissions (3):

Labcorp Genetics (formerly Invitae), Labcorp
Classification: Uncertain significance for Progressive sclerosing poliodystrophy. Last evaluated: 2025-08-30. Review status: criteria provided, single submitter. Criteria: Invitae Variant Classification Sherloc (09022015). Collection method: clinical testing. Allele origin: germline.
Comment: This sequence change replaces arginine, which is basic and polar, with cysteine, which is neutral and slightly polar, at codon 617 of the POLG protein (p.Arg617Cys). This variant is present in population databases (rs144374017, gnomAD 0.003%). This missense change has been observed in individual(s) with clinical features of POLG-related conditions (PMID: 18546365). ClinVar contains an entry for this variant (Variation ID: 619390). Invitae Evidence Modeling of protein sequence and biophysical properties (such as structural, functional, and spatial information, amino acid conservation, physicochemical variation, residue mobility, and thermodynamic stability) indicates that this missense variant is not expected to disrupt POLG protein function with a negative predictive value of 95%. In summary, the available evidence is currently insufficient to determine the role of this variant in disease. Therefore, it has been classified as a Variant of Uncertain Significance.

PreventionGenetics, part of Exact Sciences
Classification: Uncertain significance for POLG-related condition. Last evaluated: 2025-01-18. Review status: criteria provided, single submitter. Criteria: ACMG Guidelines, 2015. Collection method: clinical testing. Allele origin: germline.
Comment: The POLG c.1849C>T variant is predicted to result in the amino acid substitution p.Arg617Cys. This variant was reported in the heterozygous state in an individual with muscle weakness, exercise intolerance, hearing loss, arhythmia (Wong et al. 2008. PubMed ID: 18546365). This variant is reported in 0.0029% of alleles in individuals of Latino descent in gnomAD. At this time, the clinical significance of this variant is uncertain due to the absence of conclusive functional and genetic evidence.

Wong Mito Lab, Molecular and Human Genetics, Baylor College of Medicine
Classification: Uncertain significance for Progressive sclerosing poliodystrophy. Last evaluated: 2018-10-01. Review status: criteria provided, single submitter. Criteria: ACMG Guidelines, 2015. Collection method: clinical testing. Allele origin: germline.
Comment: The NM_002693.2:c.1849C>T (NP_002684.1:p.Arg617Cys) [GRCH38: NC_000015.10:g.89325550G>A] variant in POLG gene is interpretated to be a Uncertain Significance based on ACMG guidelines (PMID: 25741868). This variant meets the following evidence codes reported in the ACMG-guideline. BS1:The minor allele frequency of this allele is high for Mitochondrial DNA depletion syndrome 4A (Alpers type). BS2:Observation of the variant in controls is inconsistent with penetrance of Mitochondrial DNA depletion syndrome 4A (Alpers type). PP5:Reputable source(s) suggest that the variant is pathogenic. Based on the evidence criteria codes applied, the variant is suggested to be Uncertain Significance.

Literature cited by the submitters: PubMed 18546365 (cited by Labcorp Genetics (formerly Invitae), Labcorp).

NM_002693.3(POLG):c.1849C>T (p.Arg617Cys)

Gene: POLG (DNA polymerase gamma, catalytic subunit; minus strand). Cytogenetic location: 15q26.1.
Variant type: single nucleotide variant.
Coding change: c.1849C>T on transcript NM_002693.3 (MANE Select); coding-DNA position 1849, C replaced by T.
Protein change: p.Arg617Cys; replaces arginine 617 with cysteine.
Molecular consequence: missense variant.
Genome position (GRCh38, 1-based): chr15:89,325,550, G>A on the plus strand (C>T on the coding strand, the complement: POLG is on the minus strand). VCF-style: chr15-89325550-G-A. GRCh37 (hg19) VCF-style: chr15-89868781-G-A.
Other names: c.1849C>T, p.Arg617Cys (NM_001126131.2); short protein forms R617C.
Identifiers: ClinVar variation 619390 (VCV000619390.6), dbSNP rs144374017, ClinGen allele CA7724676.